The following is an entry in ClinVar:

NM_014251.3(SLC25A13):c.1677C>G (p.Tyr559Ter)

Gene: SLC25A13 (solute carrier family 25 member 13; minus strand). Cytogenetic location: 7q21.3.
Variant type: single nucleotide variant.
Coding change: c.1677C>G on transcript NM_014251.3 (MANE Select); coding-DNA position 1677, C replaced by G.
Protein change: p.Tyr559Ter; replaces tyrosine 559 with a stop codon.
Molecular consequence: nonsense. On other transcripts: non-coding transcript variant (1).
Genome position (GRCh38, 1-based): chr7:96,121,912, G>C on the plus strand (C>G on the coding strand, the complement: SLC25A13 is on the minus strand). VCF-style: chr7-96121912-G-C. GRCh37 (hg19) VCF-style: chr7-95751224-G-C.
Other names: c.1680C>G, p.Tyr560Ter (NM_001160210.2); c.1677C>G (NM_014251.2); short protein forms Y559*, Y560*.
Identifiers: ClinVar variation 1074885 (VCV001074885.10), dbSNP rs201168119, ClinGen allele CA4352821.

ClinVar aggregate classification (germline): Pathogenic/Likely pathogenic. Review status: criteria provided, multiple submitters, no conflicts (2 of 4 stars). 3 submissions from 3 submitters: Pathogenic (1); Likely pathogenic (2). Last evaluated 2026-01-29.

Conditions:
Citrullinemia, type II, adult-onset (CDAA). Also called: CITRIN DEFICIENCY, ADOLESCENT OR ADULT ONSET. Identifiers: Orphanet 247585, MedGen CN295299, MONDO:0011326, OMIM 603471.
Citrullinemia. Identifiers: Orphanet 187, MedGen C0175683, MONDO:0015991.
Citrin deficiency. Identifiers: Orphanet 247582, MedGen C1997910, MONDO:0016602.

Allele frequency attached by ClinVar (database versions not stated): ExAC 0.00001; gnomAD exomes 0.00001; ESP Exome Variant Server 0.00008.
gnomAD v4.1: 4 of 1,614,122 alleles (0.00025%); highest among the groups gnomAD compares: Non-Finnish European, 0.00025%; no homozygotes.

Submissions (3):

Natera, Inc.
Classification: Likely pathogenic for Citrullinemia. Last evaluated: 2026-01-29. Review status: criteria provided, single submitter. Criteria: Natera Variant Classification Schema (03/2026). Collection method: clinical testing. Allele origin: germline.
Comment: The c.1677C>G variant in SLC25A13 is a nonsense variant predicted to introduce a stop codon at amino acid 559. This variant is expected to result in nonsense mediated decay, truncation, or a dysfunctional protein product. This variant is rare in the general population with a frequency below the threshold expected for the associated phenotype(s). Given the available evidence, this variant is classified as Likely Pathogenic.

Baylor Genetics
Classification: Likely pathogenic for Citrullinemia, type II, adult-onset. Last evaluated: 2024-02-12. Review status: criteria provided, single submitter. Criteria: ACMG Guidelines, 2015. Collection method: clinical testing. Allele origin: unknown.

Labcorp Genetics (formerly Invitae), Labcorp
Classification: Pathogenic for Citrin deficiency. Last evaluated: 2023-01-19. Review status: criteria provided, single submitter. Criteria: Invitae Variant Classification Sherloc (09022015). Collection method: clinical testing. Allele origin: germline.
Comment: This variant has not been reported in the literature in individuals affected with SLC25A13-related conditions. For these reasons, this variant has been classified as Pathogenic. ClinVar contains an entry for this variant (Variation ID: 1074885). This variant is present in population databases (rs201168119, gnomAD 0.01%). This sequence change creates a premature translational stop signal (p.Tyr559*) in the SLC25A13 gene. It is expected to result in an absent or disrupted protein product. Loss-of-function variants in SLC25A13 are known to be pathogenic (PMID: 10369257, 14680984, 27405544).

Literature cited by the submitters: PubMed 10369257 (cited by Labcorp Genetics (formerly Invitae), Labcorp); PubMed 14680984 (cited by Labcorp Genetics (formerly Invitae), Labcorp); PubMed 27405544 (cited by Labcorp Genetics (formerly Invitae), Labcorp).